The following is an entry in ClinVar:

NM_001356.5(DDX3X):c.1025+1G>A

Gene: DDX3X (DEAD-box helicase 3 X-linked; plus strand). Cytogenetic location: Xp11.4.
Variant type: single nucleotide variant.
Coding change: c.1025+1G>A on transcript NM_001356.5 (MANE Select); the canonical splice donor site of the intron after coding-DNA position 1025, G replaced by A.
Molecular consequence: splice donor variant.
Genome position (GRCh38, 1-based): chrX:41,344,400, G>A. VCF-style: chrX-41344400-G-A. GRCh37 (hg19) VCF-style: chrX-41203653-G-A.
Other names: NC_000023.10:g.41203653G>A; c.1025+1G>A (NM_001193416.3); c.977+1G>A (NM_001193417.3); c.467+1G>A (NM_001363819.1).
Identifiers: ClinVar variation 1320227 (VCV001320227.2), dbSNP rs2147354193, ClinGen allele CA412771205.
Genomic context (GRCh38, chrX:41,344,400, plus strand): 5'-CACTCCAGGACGTCTAGTGGATATGATGGAAAGAGGAAAGATTGGATTAGACTTTTGCAA[G>A]TATGTTTTATTTTGTTTTTGTTTTTTTGTTTTGTTTTGTTTTGTTCTTTTGTTTTTGGCA-3'

ClinVar aggregate classification (germline): Pathogenic (1 of 4 stars; one submission).

Conditions:
Intellectual disability, X-linked 102 (MRXSSB). Also called: Intellectual developmental disorder, X-linked syndromic, Snijders Blok type. Identifiers: Orphanet 457260, MedGen C5393299, MONDO:0010497, OMIM 300958.

Submissions (3):

3billion
Classification: Pathogenic for Intellectual disability, X-linked 102. Last evaluated: 2021-10-02. Review status: criteria provided, single submitter. Criteria: ACMG Guidelines, 2015. Collection method: clinical testing. Allele origin: germline. Affected: yes. Observed: 1 heterozygote.
Comment: Canonical splice site: predicted to alter splicing and result in a loss or disruption of normal protein function through nonsense-mediated decay (NMD) or protein truncation. Multiple pathogenic variants are reported downstream of the variant (PVS1_VS). The variant was observed as assumed (i.e. paternity and maternity not confirmed) de novoo (3billion dataset, PM6). It is not observed in the gnomAD v2.1.1 dataset (PM2). Therefore, this variant is classified as pathogenic according to the recommendation of ACMG/AMP guideline.

Dr. Peter K. Rogan Lab, Western University
No classification provided (evidence only). Condition: Thyroid cancer, nonmedullary, 1. Review status: no classification provided. Collection method: in vitro. Allele origin: not applicable. Functional consequence: retained intron. Not counted in ClinVar's aggregate classification.

Dr. Peter K. Rogan Lab, Western University
No classification provided (evidence only). Condition: Nonpapillary renal cell carcinoma. Review status: no classification provided. Collection method: in vitro. Allele origin: not applicable. Functional consequence: retained intron. Not counted in ClinVar's aggregate classification.